The following is an entry in ClinVar:

NM_006623.4(PHGDH):c.1286G>T (p.Gly429Val)

Gene: PHGDH (phosphoglycerate dehydrogenase; plus strand). Cytogenetic location: 1p12.
Variant type: single nucleotide variant.
Coding change: c.1286G>T on transcript NM_006623.4 (MANE Select); coding-DNA position 1286, G replaced by T.
Protein change: p.Gly429Val; replaces glycine 429 with valine.
Molecular consequence: missense variant.
Genome position (GRCh38, 1-based): chr1:119,742,883, G>T. VCF-style: chr1-119742883-G-T. GRCh37 (hg19) VCF-style: chr1-120285506-G-T.
Other names: short protein forms G429V.
Identifiers: ClinVar variation 916534 (VCV000916534.3), dbSNP rs1652276195, ClinGen allele CA341853632.

ClinVar aggregate classification (germline): Likely pathogenic. Review status: criteria provided, single submitter (1 of 4 stars). 2 submissions from 2 submitters: Likely pathogenic (1). 1 of the submissions does not count toward it. Last evaluated 2024-10-04.

Conditions:
Neu-Laxova syndrome 1 (NLS1). Identifiers: Orphanet 2671, Orphanet 583607, MedGen C4551478, MONDO:0009736, OMIM 256520. Disease mechanism: loss of function.
PHGDH deficiency. Identifiers: Orphanet 79351, MedGen C1866174, MONDO:0011152, OMIM 601815.

Submissions (2):

Dubai Health Genomic Medicine Center, Dubai Health
Classification: Likely pathogenic for Neu-Laxova syndrome 1. Last evaluated: 2024-10-04. Review status: criteria provided, single submitter. Criteria: ACMG Guidelines, 2015. Collection method: research. Allele origin: germline. Affected: yes.
Comment: PM3(strong),PM2,PP3,PP4

OMIM
Classification: Pathogenic for PHOSPHOGLYCERATE DEHYDROGENASE DEFICIENCY. Last evaluated: 2020-06-05. Review status: no assertion criteria provided. Collection method: literature only. Allele origin: germline. Not counted in ClinVar's aggregate classification.

Literature cited by the submitters: PubMed 26960553 (cited by OMIM).